The following is an entry in ClinVar:

NM_005477.3(HCN4):c.454C>G (p.Pro152Ala)

Gene: HCN4 (hyperpolarization activated cyclic nucleotide gated potassium channel 4; minus strand). Cytogenetic location: 15q24.1.
Variant type: single nucleotide variant.
Coding change: c.454C>G on transcript NM_005477.3 (MANE Select); coding-DNA position 454, C replaced by G.
Protein change: p.Pro152Ala; replaces proline 152 with alanine.
Molecular consequence: missense variant.
Genome position (GRCh38, 1-based): chr15:73,367,817, G>C on the plus strand (C>G on the coding strand, the complement: HCN4 is on the minus strand). VCF-style: chr15-73367817-G-C. GRCh37 (hg19) VCF-style: chr15-73660158-G-C.
Other names: short protein forms P152A.
Identifiers: ClinVar variation 583237 (VCV000583237.8), dbSNP rs1392411769, ClinGen allele CA393097974.

ClinVar aggregate classification (germline): Uncertain significance (1 of 4 stars; one submission).

Conditions:
Brugada syndrome 8 (BRGDA8). Identifiers: Orphanet 130, MedGen C2751083, MONDO:0013148, OMIM 613123.

Submission:

Labcorp Genetics (formerly Invitae), Labcorp
Classification: Uncertain significance for Brugada syndrome 8. Last evaluated: 2018-05-21. Review status: criteria provided, single submitter. Criteria: Invitae Variant Classification Sherloc (09022015). Collection method: clinical testing. Allele origin: germline.
Comment: This sequence change replaces proline with alanine at codon 152 of the HCN4 protein (p.Pro152Ala). The proline residue is moderately conserved and there is a small physicochemical difference between proline and alanine. In summary, the available evidence is currently insufficient to determine the role of this variant in disease. Therefore, it has been classified as a Variant of Uncertain Significance. Algorithms developed to predict the effect of missense changes on protein structure and function are either unavailable or do not agree on the potential impact of this missense change (SIFT: "Deleterious"; PolyPhen-2: "Benign"; Align-GVGD: "Class C0"). This variant has not been reported in the literature in individuals with HCN4-related disease. While this variant is not present in population databases, the frequency information is unreliable, as metrics indicate poor data quality at this position in the ExAC database.